The following is an entry in ClinVar:

ClinVar aggregate classification (germline): Uncertain significance (1 of 4 stars; one submission).

Submission:

ISCA site 4
Classification: Uncertain significance. Last evaluated: 2011-08-12. Review status: criteria provided, single submitter. Criteria: Kaminsky et al. (Genet Med. 2011). Collection method: clinical testing. Allele origin: unknown. Affected: yes. Observed: 1 variant allele.
Comment: Copy number variation identified through the course of routine clinical cytogenomic testing in postnatal populations. Clinical assertions have been curated as described in Kaminsky et al. 2011.

GRCh38/hg38 6q27(chr6:170471093-170583214)x3

Genes: PDCD2 (programmed cell death 2; minus strand), PSMB1 (proteasome 20S subunit beta 1; minus strand), TBP (TATA-box binding protein; plus strand), LOC108663996 (TATA-box binding protein repeat instability region; plus strand), LOC126859915 (MED14-independent group 3 enhancer GRCh37_chr6:170816979-170818178; plus strand) and 2 more. Cytogenetic location: 6q27.
Variant type: copy number gain.
Change: copy number 3 (three copies instead of two) of chr6:170,471,093-170,583,214 (112.1 kb, GRCh38 coordinates, 1-based), cytogenetic band 6q27.
Identifiers: ClinVar variation 57071 (VCV000057071.1).